The following is an entry in ClinVar:

ClinVar aggregate classification (germline): Uncertain significance. Review status: criteria provided, multiple submitters, no conflicts (2 of 4 stars). 2 submissions from 2 submitters: Uncertain significance (2). Last evaluated 2025-10-22.

Conditions:
Inborn genetic diseases. Identifiers: MedGen C0950123, MeSH D030342.

Allele frequency attached by ClinVar (database versions not stated): gnomAD 0.00001.
gnomAD v4.1: 18 of 1,613,944 alleles (0.0011%); highest among the groups gnomAD compares: South Asian, 0.016%; no homozygotes.

Submissions (2):

Ambry Genetics
Classification: Uncertain significance for Inborn genetic diseases. Last evaluated: 2025-10-22. Review status: criteria provided, single submitter. Criteria: Ambry Variant Classification Scheme 2023. Collection method: clinical testing. Allele origin: germline.

GeneDx
Classification: Uncertain significance. Last evaluated: 2023-04-17. Review status: criteria provided, single submitter. Criteria: GeneDx Variant Classification Process June 2021. Collection method: clinical testing. Allele origin: germline. Affected: yes.
Comment: In silico analysis supports that this missense variant has a deleterious effect on protein structure/function; Has not been previously published as pathogenic or benign to our knowledge

NM_017433.5(MYO3A):c.2872C>A (p.Arg958Ser)

Gene: MYO3A (myosin IIIA; plus strand). Cytogenetic location: 10p12.1.
Variant type: single nucleotide variant.
Coding change: c.2872C>A on transcript NM_017433.5 (MANE Select); coding-DNA position 2872, C replaced by A.
Protein change: p.Arg958Ser; replaces arginine 958 with serine.
Molecular consequence: missense variant.
Genome position (GRCh38, 1-based): chr10:26,157,388, C>A. VCF-style: chr10-26157388-C-A. GRCh37 (hg19) VCF-style: chr10-26446317-C-A.
Other names: short protein forms R958S.
Identifiers: ClinVar variation 2662173 (VCV002662173.2), dbSNP rs757481437, ClinGen allele CA5445097.